The following is an entry in ClinVar:

ClinVar aggregate classification (germline): Uncertain significance (1 of 4 stars; one submission).

Conditions:
Pyogenic arthritis-pyoderma gangrenosum-acne syndrome (PAPA). Also called: FAMILIAL RECURRENT ARTHRITIS; PAPA SYNDROME. Identifiers: Orphanet 69126, MedGen C1858361, MONDO:0011462, OMIM 604416.

Submission:

Labcorp Genetics (formerly Invitae), Labcorp
Classification: Uncertain significance for Pyogenic arthritis-pyoderma gangrenosum-acne syndrome. Last evaluated: 2025-04-11. Review status: criteria provided, single submitter. Criteria: Invitae Variant Classification Sherloc (09022015). Collection method: clinical testing. Allele origin: germline.
Comment: This sequence change replaces glutamine, which is neutral and polar, with proline, which is neutral and non-polar, at codon 373 of the PSTPIP1 protein (p.Gln373Pro). This variant is not present in population databases (gnomAD no frequency). This variant has not been reported in the literature in individuals affected with PSTPIP1-related conditions. ClinVar contains an entry for this variant (Variation ID: 3726178). An algorithm developed to predict the effect of missense changes on protein structure and function (PolyPhen-2) suggests that this variant is likely to be disruptive. In summary, the available evidence is currently insufficient to determine the role of this variant in disease. Therefore, it has been classified as a Variant of Uncertain Significance.

NM_003978.5(PSTPIP1):c.1118A>C (p.Gln373Pro)

Gene: PSTPIP1 (proline-serine-threonine phosphatase interacting protein 1; plus strand). Cytogenetic location: 15q24.3.
Variant type: single nucleotide variant.
Coding change: c.1118A>C on transcript NM_003978.5 (MANE Select); coding-DNA position 1118, A replaced by C.
Protein change: p.Gln373Pro; replaces glutamine 373 with proline.
Molecular consequence: missense variant. On other transcripts: non-coding transcript variant (1).
Genome position (GRCh38, 1-based): chr15:77,035,934, A>C. VCF-style: chr15-77035934-A-C. GRCh37 (hg19) VCF-style: chr15-77328275-A-C.
Other names: c.1061A>C, p.Gln354Pro (NM_001321135.2); c.1091A>C, p.Gln364Pro (NM_001321136.2); c.1313A>C, p.Gln438Pro (NM_001321137.1); c.1109A>C, p.Gln370Pro (NM_001411086.1); short protein forms Q370P, Q373P, Q354P, Q364P, Q438P.
Identifiers: ClinVar variation 3726178 (VCV003726178.2).
Genomic context (GRCh38, chr15:77,035,934, plus strand): 5'-TACAGGGAAACCCGGCCTCACCAGCCCAGGAGTACCGGGCGCTCTACGATTATACAGCGC[A>C]GGTGAGGCCTCTATACCCCAAACCCACCTGTGCCACCTCCCCTGCACCTGAGAGCTCCCT-3'
Protein context (NP_003969.2, residues 363-383): EYRALYDYTA[Gln373Pro]NPDELDLSAG